The following is an entry in ClinVar:

ClinVar aggregate classification (germline): Likely benign. Review status: criteria provided, multiple submitters, no conflicts (2 of 4 stars). 2 submissions from 2 submitters: Likely benign (2). Last evaluated 2025-12-27.

Conditions:
Holocarboxylase synthetase deficiency. Also called: MULTIPLE CARBOXYLASE DEFICIENCY, EARLY ONSET. Identifiers: Orphanet 79242, MedGen C0268581, MONDO:0009666, OMIM 253270.

Submissions (2):

Labcorp Genetics (formerly Invitae), Labcorp
Classification: Likely benign for Holocarboxylase synthetase deficiency. Last evaluated: 2025-12-27. Review status: criteria provided, single submitter. Criteria: Invitae Variant Classification Sherloc (09022015). Collection method: clinical testing. Allele origin: germline.

GeneDx
Classification: Likely benign. Last evaluated: 2018-02-05. Review status: criteria provided, single submitter. Criteria: GeneDx Variant Classification (06012015). Collection method: clinical testing. Allele origin: germline. Affected: yes.
Comment: This variant is considered likely benign or benign based on one or more of the following criteria: it is a conservative change, it occurs at a poorly conserved position in the protein, it is predicted to be benign by multiple in silico algorithms, and/or has population frequency not consistent with disease.

NM_001352514.2(HLCS):c.494-25TC[6]

Gene: HLCS (holocarboxylase synthetase; minus strand). Cytogenetic location: 21q22.13.
Variant type: Microsatellite.
Coding change: c.494-25TC[6] on transcript NM_001352514.2 (MANE Select); six copies in a row of the 2-base unit TC starting at c.494-25; the reference has five copies in a row; one copy, 2 bases duplicated.
Molecular consequence: intron variant.
Genome position (GRCh38, 1-based): chr21:36,937,408-36,937,409, GA duplicated on the plus strand (TC on the coding strand, the reverse complement: HLCS is on the minus strand); duplicating any 2 consecutive bases within chr21:36,937,408-36,937,417 gives the same sequence; the position shown is the placement nearest the transcript's 3' end. VCF-style (leftmost placement, unchanged base first): chr21-36937407-G-GGA. GRCh37 (hg19) VCF-style: chr21-38309707-G-GGA.
Other names: c.53-17_53-16dupTC (NM_000411.6); c.53-25TC[6] (NM_001352517.1, NM_001242785.2, NM_001352515.2 and 4 more transcripts).
Identifiers: ClinVar variation 514787 (VCV000514787.4), dbSNP rs146532042, ClinGen allele CA658799426.